The following is an entry in ClinVar:

ClinVar aggregate classification (germline): Uncertain significance. Review status: criteria provided, multiple submitters, no conflicts (2 of 4 stars). 4 submissions from 4 submitters: Uncertain significance (4). Last evaluated 2025-03-08.

Conditions:
COQ4-related disorder. Also called: COQ4-related condition.
Neonatal encephalomyopathy-cardiomyopathy-respiratory distress syndrome. Also called: Coenzyme Q10 deficiency, primary, 7. Identifiers: Orphanet 457185, MedGen C5568562, MONDO:0014562, OMIM 616276.

Allele frequency attached by ClinVar (database versions not stated): gnomAD 0.00004; ExAC 0.00005; TOPMed 0.00005; ESP Exome Variant Server 0.00008.

Submissions (4):

GeneDx
Classification: Uncertain significance. Last evaluated: 2025-03-08. Review status: criteria provided, single submitter. Criteria: GeneDx Variant Classification Process June 2021. Collection method: clinical testing. Allele origin: germline. Affected: yes.
Comment: Not observed at significant frequency in large population cohorts (gnomAD); In silico analysis supports that this missense variant has a deleterious effect on protein structure/function; Has not been previously published as pathogenic or benign to our knowledge

PreventionGenetics, part of Exact Sciences
Classification: Uncertain significance for COQ4-related condition. Last evaluated: 2025-01-27. Review status: criteria provided, single submitter. Criteria: ACMG Guidelines, 2015. Collection method: clinical testing. Allele origin: germline.
Comment: The COQ4 c.134C>T variant is predicted to result in the amino acid substitution p.Ser45Phe. To our knowledge, this variant has not been reported in the literature. This variant is reported in 0.0057% of alleles in individuals of European (Non-Finnish) descent in gnomAD. At this time, the clinical significance of this variant is uncertain due to the absence of conclusive functional and genetic evidence.

Labcorp Genetics (formerly Invitae), Labcorp
Classification: Uncertain significance for Neonatal encephalomyopathy-cardiomyopathy-respiratory distress syndrome. Last evaluated: 2024-02-24. Review status: criteria provided, single submitter. Criteria: Invitae Variant Classification Sherloc (09022015). Collection method: clinical testing. Allele origin: germline.
Comment: This sequence change replaces serine, which is neutral and polar, with phenylalanine, which is neutral and non-polar, at codon 45 of the COQ4 protein (p.Ser45Phe). This variant is present in population databases (rs377735694, gnomAD 0.006%). This variant has not been reported in the literature in individuals affected with COQ4-related conditions. ClinVar contains an entry for this variant (Variation ID: 651003). Advanced modeling of protein sequence and biophysical properties (such as structural, functional, and spatial information, amino acid conservation, physicochemical variation, residue mobility, and thermodynamic stability) has been performed at Invitae for this missense variant, however the output from this modeling did not meet the statistical confidence thresholds required to predict the impact of this variant on COQ4 protein function. In summary, the available evidence is currently insufficient to determine the role of this variant in disease. Therefore, it has been classified as a Variant of Uncertain Significance.

Mayo Clinic Laboratories, Mayo Clinic
Classification: Uncertain significance. Last evaluated: 2022-09-30. Review status: criteria provided, single submitter. Criteria: ACMG Guidelines, 2015. Collection method: clinical testing. Allele origin: germline. Observed: 1 variant allele.
Comment: BP4

NM_016035.5(COQ4):c.134C>T (p.Ser45Phe)

Genes: COQ4 (coenzyme Q4; plus strand), LOC130002704 (ATAC-STARR-seq lymphoblastoid silent region 20335; plus strand). Cytogenetic location: 9q34.11.
Variant type: single nucleotide variant.
Coding change: c.134C>T on transcript NM_016035.5 (MANE Select); coding-DNA position 134, C replaced by T.
Protein change: p.Ser45Phe; replaces serine 45 with phenylalanine.
Molecular consequence: missense variant.
Genome position (GRCh38, 1-based): chr9:128,323,079, C>T. VCF-style: chr9-128323079-C-T. GRCh37 (hg19) VCF-style: chr9-131085358-C-T.
Other names: p.Ser45Phe; c.134C>T (NM_016035.3); c.134C>T, p.Ser45Phe (NM_001305942.2); short protein forms S45F.
Identifiers: ClinVar variation 651003 (VCV000651003.9), dbSNP rs377735694, ClinGen allele CA5260417.